The following is an entry in ClinVar:

NM_005502.4(ABCA1):c.5757+12C>T

Gene: ABCA1 (ATP binding cassette subfamily A member 1; minus strand). Cytogenetic location: 9q31.1.
Variant type: single nucleotide variant.
Coding change: c.5757+12C>T on transcript NM_005502.4 (MANE Select); 12 bases into the intron after coding-DNA position 5757, C replaced by T.
Molecular consequence: intron variant.
Genome position (GRCh38, 1-based): chr9:104,792,774, G>A on the plus strand (C>T on the coding strand, the complement: ABCA1 is on the minus strand). VCF-style: chr9-104792774-G-A. GRCh37 (hg19) VCF-style: chr9-107555055-G-A.
Identifiers: ClinVar variation 364387 (VCV000364387.11), dbSNP rs769533549, ClinGen allele CA5167746.

ClinVar aggregate classification (germline): Conflicting classifications of pathogenicity. Review status: criteria provided, conflicting classifications (1 of 4 stars). 4 submissions from 3 submitters: Uncertain significance (1); Likely benign (3). Last evaluated 2025-07-21.

Conditions:
Tangier disease (TGD). Also called: HIGH DENSITY LIPOPROTEIN DEFICIENCY, TANGIER TYPE; HIGH DENSITY LIPOPROTEIN DEFICIENCY, TYPE 1; Cholesterol thesaurismosis. Identifiers: Orphanet 31150, MedGen C0039292, MONDO:0008783, OMIM 205400.
Hypoalphalipoproteinemia, primary, 1. Identifiers: Orphanet 425, MedGen C5231558, MONDO:0011393, OMIM 604091.

Allele frequency attached by ClinVar (database versions not stated): ExAC 0.00002; gnomAD exomes 0.00002 and 0.00004; gnomAD 0.00005; TOPMed 0.00005.
gnomAD v4.1: 65 of 1,613,856 alleles (0.004%); highest among the groups gnomAD compares: Non-Finnish European, 0.0052%; no homozygotes.

Submissions (4):

Labcorp Genetics (formerly Invitae), Labcorp
Classification: Likely benign. Last evaluated: 2025-07-21. Review status: criteria provided, single submitter. Criteria: Invitae Variant Classification Sherloc (09022015). Collection method: clinical testing. Allele origin: germline.

Women's Health and Genetics/Laboratory Corporation of America, LabCorp
Classification: Likely benign. Last evaluated: 2024-12-11. Review status: criteria provided, single submitter. Criteria: LabCorp Variant Classification Summary - May 2015. Collection method: clinical testing. Allele origin: germline.

Illumina Laboratory Services, Illumina
Classification: Likely benign for Hypoalphalipoproteinemia, primary, 1. Last evaluated: 2018-01-12. Review status: criteria provided, single submitter. Criteria: ICSL Variant Classification Criteria 13 December 2019. Collection method: clinical testing. Allele origin: germline.
Comment: This variant was observed in the ICSL laboratory as part of a predisposition screen in an ostensibly healthy population. It had not been previously curated by ICSL or reported in the Human Gene Mutation Database (HGMD: prior to June 1st, 2018), and was therefore a candidate for classification through an automated scoring system. Utilizing variant allele frequency, disease prevalence and penetrance estimates, and inheritance mode, an automated score was calculated to assess if this variant is too frequent to cause the disease. Based on the score and internal cut-off values, a variant classified as likely benign is not then subjected to further curation. The score for this variant resulted in a classification of likely benign for this disease.

Illumina Laboratory Services, Illumina
Classification: Uncertain significance for Tangier disease. Last evaluated: 2018-01-12. Review status: criteria provided, single submitter. Criteria: ICSL Variant Classification Criteria 13 December 2019. Collection method: clinical testing. Allele origin: germline.